The following is an entry in ClinVar:

ClinVar aggregate classification (germline): Likely pathogenic. Review status: criteria provided, multiple submitters, no conflicts (2 of 4 stars). 4 submissions from 4 submitters: Likely pathogenic (2). 2 of the submissions do not count toward it. Last evaluated 2024-02-22.

Conditions:
Arthrogryposis multiplex congenita 6. Identifiers: MedGen C5543431, MONDO:0030281, OMIM 619334.
Nemaline myopathy 2 (NEM2). Also called: Nemaline myopathy 2, autosomal recessive. Identifiers: MedGen C1850569, MONDO:0009725, OMIM 256030.

Allele frequency attached by ClinVar (database versions not stated): gnomAD exomes 0.00001; ExAC 0.00004.
gnomAD v4.1: 8 of 1,568,904 alleles (0.00051%); highest among the groups gnomAD compares: South Asian, 0.0058%; no homozygotes.

Submissions (4):

Labcorp Genetics (formerly Invitae), Labcorp
Classification: Likely pathogenic for Nemaline myopathy 2. Last evaluated: 2024-02-22. Review status: criteria provided, single submitter. Criteria: Invitae Variant Classification Sherloc (09022015). Collection method: clinical testing. Allele origin: germline.
Comment: This sequence change affects a donor splice site in intron 173 of the NEB gene. It is expected to disrupt RNA splicing. Variants that disrupt the donor or acceptor splice site typically lead to a loss of protein function (PMID: 16199547), and loss-of-function variants in NEB are known to be pathogenic (PMID: 25205138). The frequency data for this variant in the population databases is considered unreliable, as metrics indicate poor data quality at this position in the gnomAD database. This variant has not been reported in the literature in individuals affected with NEB-related conditions. ClinVar contains an entry for this variant (Variation ID: 465581). Algorithms developed to predict the effect of sequence changes on RNA splicing suggest that this variant may disrupt the consensus splice site. In summary, the currently available evidence indicates that the variant is pathogenic, but additional data are needed to prove that conclusively. Therefore, this variant has been classified as Likely Pathogenic.

Baylor Genetics
Classification: Likely pathogenic for Arthrogryposis multiplex congenita 6. Last evaluated: 2023-12-27. Review status: criteria provided, single submitter. Criteria: ACMG Guidelines, 2015. Collection method: clinical testing. Allele origin: unknown.

Natera, Inc.
Classification: Likely pathogenic for Nemaline myopathy type 2. Last evaluated: 2020-09-02. Review status: no assertion criteria provided. Collection method: clinical testing. Allele origin: germline. Not counted in ClinVar's aggregate classification.

Counsyl
Classification: Likely pathogenic for Nemaline myopathy 2. Last evaluated: 2017-05-23. Review status: no assertion criteria provided. Collection method: clinical testing. Allele origin: unknown. Not counted in ClinVar's aggregate classification.

Literature cited by the submitters: PubMed 16199547 (cited by Labcorp Genetics (formerly Invitae), Labcorp); PubMed 25205138 (cited by Labcorp Genetics (formerly Invitae), Labcorp).

NM_001164508.2(NEB):c.24393+1G>A

Genes: NEB (nebulin; minus strand), RIF1 (replication timing regulatory factor 1; plus strand). Cytogenetic location: 2q23.3.
Variant type: single nucleotide variant.
Coding change: c.24393+1G>A on transcript NM_001164508.2 (MANE Select); the canonical splice donor site of the intron after coding-DNA position 24393, G replaced by A.
Molecular consequence: splice donor variant. On other transcripts: intron variant (1).
Genome position (GRCh38, 1-based): chr2:151,496,940, C>T on the plus strand (G>A on the coding strand, the complement: NEB is on the minus strand). VCF-style: chr2-151496940-C-T. GRCh37 (hg19) VCF-style: chr2-152353454-C-T.
Other names: c.18826-572G>A (NM_004543.5); c.24393+1G>A (NM_001164507.2); c.24498+1G>A (NM_001271208.2).
Identifiers: ClinVar variation 465581 (VCV000465581.14), dbSNP rs775631800, ClinGen allele CA1906073.
Genomic context (GRCh38, chr2:151,496,940, plus strand): 5'-TTAAATCATGAAATAGTTTTTAAAATCAGTAAGTAGTTTTTTTCTTTTCTTGCCCAAGTA[C>T]CGAGCTAATATTTTCTTGATTGTGTTTGACTCTCTCCATCTCAGGAGTGACAGGTAGAGG-3'